The following is an entry in ClinVar:

NM_002692.4(POLE2):c.100C>G (p.Gln34Glu)

Gene: POLE2 (DNA polymerase epsilon 2, accessory subunit; minus strand). Cytogenetic location: 14q21.3.
Variant type: single nucleotide variant.
Coding change: c.100C>G on transcript NM_002692.4 (MANE Select); coding-DNA position 100, C replaced by G.
Protein change: p.Gln34Glu; replaces glutamine 34 with glutamic acid.
Molecular consequence: missense variant. On other transcripts: 5 prime UTR variant (1).
Genome position (GRCh38, 1-based): chr14:49,683,662, G>C on the plus strand (C>G on the coding strand, the complement: POLE2 is on the minus strand). VCF-style: chr14-49683662-G-C. GRCh37 (hg19) VCF-style: chr14-50150380-G-C.
Other names: c.100C>G, p.Gln34Glu (NM_001197330.2, NM_001197331.3, NM_001348384.2); c.-136C>G (NM_001348385.2); short protein forms Q34E.
Identifiers: ClinVar variation 1520244 (VCV001520244.6), dbSNP rs755865309, ClinGen allele CA7173743.

ClinVar aggregate classification (germline): Uncertain significance (1 of 4 stars; one submission).

Allele frequency attached by ClinVar (database versions not stated): gnomAD exomes below 0.00001 and 0.00001; ExAC 0.00001; TOPMed 0.00001.
gnomAD v4.1: 4 of 1,589,322 alleles (0.00025%); highest among the groups gnomAD compares: Admixed American, 0.005%; no homozygotes.

Submission:

Labcorp Genetics (formerly Invitae), Labcorp
Classification: Uncertain significance. Last evaluated: 2021-10-27. Review status: criteria provided, single submitter. Criteria: Invitae Variant Classification Sherloc (09022015). Collection method: clinical testing. Allele origin: germline.
Comment: In summary, the available evidence is currently insufficient to determine the role of this variant in disease. Therefore, it has been classified as a Variant of Uncertain Significance. Algorithms developed to predict the effect of missense changes on protein structure and function output the following: SIFT: "Tolerated"; PolyPhen-2: "Benign"; Align-GVGD: "Class C0". The glutamic acid amino acid residue is found in multiple mammalian species, which suggests that this missense change does not adversely affect protein function. This variant has not been reported in the literature in individuals affected with POLE2-related conditions. This variant is present in population databases (rs755865309, gnomAD 0.009%). This sequence change replaces glutamine, a(n) neutral and polar amino acid, with glutamic acid, a(n) acidic and polar amino acid, at codon 34 of the POLE2 protein (p.Gln34Glu).